The following is an entry in ClinVar:

NM_000059.4(BRCA2):c.1364C>T (p.Ser455Leu)

Gene: BRCA2 (BRCA2 DNA repair associated; plus strand). Cytogenetic location: 13q13.1.
Variant type: single nucleotide variant.
Coding change: c.1364C>T on transcript NM_000059.4 (MANE Select); coding-DNA position 1364, C replaced by T.
Protein change: p.Ser455Leu; replaces serine 455 with leucine.
Molecular consequence: missense variant.
Genome position (GRCh38, 1-based): chr13:32,332,842, C>T. VCF-style: chr13-32332842-C-T. GRCh37 (hg19) VCF-style: chr13-32906979-C-T.
Other names: short protein forms S455L.
Identifiers: ClinVar variation 854171 (VCV000854171.12), dbSNP rs2072410817, ClinGen allele CA387762874.

ClinVar aggregate classification (germline): Conflicting classifications of pathogenicity. Review status: criteria provided, conflicting classifications (1 of 4 stars). 3 submissions from 3 submitters: Uncertain significance (1); Likely benign (2). Last evaluated 2026-04-17.

Conditions:
Hereditary cancer-predisposing syndrome. Also called: Tumor predisposition; Neoplastic Syndromes, Hereditary; Hereditary neoplastic syndrome; Hereditary Cancer Syndrome. Identifiers: Orphanet 140162, MedGen C0027672, MeSH D009386, MONDO:0015356.
Hereditary breast ovarian cancer syndrome. Also called: Hereditary breast and ovarian cancer; Hereditary breast and ovarian cancer syndrome (HBOC); Hereditary breast and/or ovarian cancer syndrome; Breast and ovarian cancer; BRCA1- and BRCA2-Associated Hereditary Breast and Ovarian Cancer; Hereditary breast and ovarian cancer syndrome. Identifiers: Orphanet 145, MedGen C0677776, MeSH D061325, MONDO:0003582. Disease mechanism: loss of function.

Submissions (3):

Ambry Genetics
Classification: Likely benign for Hereditary cancer-predisposing syndrome. Last evaluated: 2026-04-17. Review status: criteria provided, single submitter. Criteria: Ambry Variant Classification Scheme 2023. Collection method: clinical testing. Allele origin: germline.

Labcorp Genetics (formerly Invitae), Labcorp
Classification: Uncertain significance for Hereditary breast ovarian cancer syndrome. Last evaluated: 2025-10-06. Review status: criteria provided, single submitter. Criteria: Invitae Variant Classification Sherloc (09022015). Collection method: clinical testing. Allele origin: germline.
Comment: This sequence change replaces serine, which is neutral and polar, with leucine, which is neutral and non-polar, at codon 455 of the BRCA2 protein (p.Ser455Leu). This variant is not present in population databases (gnomAD no frequency). This variant has not been reported in the literature in individuals affected with BRCA2-related conditions. ClinVar contains an entry for this variant (Variation ID: 854171). Invitae Evidence Modeling of protein sequence and biophysical properties (such as structural, functional, and spatial information, amino acid conservation, physicochemical variation, residue mobility, and thermodynamic stability) indicates that this missense variant is not expected to disrupt BRCA2 protein function with a negative predictive value of 95%. In summary, the available evidence is currently insufficient to determine the role of this variant in disease. Therefore, it has been classified as a Variant of Uncertain Significance.

University of Washington Department of Laboratory Medicine, University of Washington
Classification: Likely benign for Hereditary cancer-predisposing syndrome. Last evaluated: 2023-03-23. Review status: criteria provided, single submitter. Criteria: Dines et al. (Genet Med. 2020). Collection method: curation. Allele origin: germline.
Comment: Missense variant in a coldspot region where missense variants are very unlikely to be pathogenic (PMID:31911673).

BRCA2 exon 10 coldspot. Reclassification based on statistical prior probability.